The following is an entry in ClinVar:

ClinVar aggregate classification (germline): Uncertain significance (1 of 4 stars; one submission).

Conditions:
Neurofibromatosis, type 1 (NF1). Also called: Peripheral type neurofibromatosis; Neurofibromatosis, type I; VON RECKLINGHAUSEN DISEASE; NEUROFIBROMATOSIS, TYPE I, SOMATIC. Identifiers: Orphanet 636, MedGen C0027831, MONDO:0018975, OMIM 162200. Disease mechanism: loss of function.

Submission:

Labcorp Genetics (formerly Invitae), Labcorp
Classification: Uncertain significance for Neurofibromatosis, type 1. Last evaluated: 2018-03-29. Review status: criteria provided, single submitter. Criteria: Invitae Variant Classification Sherloc (09022015). Collection method: clinical testing. Allele origin: germline.
Comment: This sequence change replaces asparagine with isoleucine at codon 39 of the NF1 protein (p.Asn39Ile). The asparagine residue is highly conserved and there is a large physicochemical difference between asparagine and isoleucine. In summary, the available evidence is currently insufficient to determine the role of this variant in disease. Therefore, it has been classified as a Variant of Uncertain Significance. Algorithms developed to predict the effect of missense changes on protein structure and function do not agree on the potential impact of this missense change (SIFT: "Deleterious"; PolyPhen-2: "Probably Damaging"; Align-GVGD: "Class C15"). This variant has not been reported in the literature in individuals with NF1-related disease. This variant is not present in population databases (ExAC no frequency).

NM_001042492.3(NF1):c.116A>T (p.Asn39Ile)

Gene: NF1 (neurofibromin 1; plus strand). Cytogenetic location: 17q11.2.
Variant type: single nucleotide variant.
Coding change: c.116A>T on transcript NM_001042492.3 (MANE Select); coding-DNA position 116, A replaced by T.
Protein change: p.Asn39Ile; replaces asparagine 39 with isoleucine.
Molecular consequence: missense variant.
Genome position (GRCh38, 1-based): chr17:31,156,038, A>T. VCF-style: chr17-31156038-A-T. GRCh37 (hg19) VCF-style: chr17-29483056-A-T.
Other names: c.116A>T, p.Asn39Ile (NM_000267.4, NM_001128147.3); short protein forms N39I.
Identifiers: ClinVar variation 581035 (VCV000581035.5), dbSNP rs1567814494, ClinGen allele CA398988337.